The following is an entry in ClinVar:

NM_001083116.3(PRF1):c.557C>T (p.Thr186Ile)

Gene: PRF1 (perforin 1; minus strand). Cytogenetic location: 10q22.1.
Variant type: single nucleotide variant.
Coding change: c.557C>T on transcript NM_001083116.3 (MANE Select); coding-DNA position 557, C replaced by T.
Protein change: p.Thr186Ile; replaces threonine 186 with isoleucine.
Molecular consequence: missense variant.
Genome position (GRCh38, 1-based): chr10:70,599,164, G>A on the plus strand (C>T on the coding strand, the complement: PRF1 is on the minus strand). VCF-style: chr10-70599164-G-A. GRCh37 (hg19) VCF-style: chr10-72358920-G-A.
Other names: c.557C>T, p.Thr186Ile (NM_005041.6); short protein forms T186I.
Identifiers: ClinVar variation 665877 (VCV000665877.10), dbSNP rs751796432, ClinGen allele CA5538976.

ClinVar aggregate classification (germline): Uncertain significance. Review status: criteria provided, multiple submitters, no conflicts (2 of 4 stars). 4 submissions from 4 submitters: Uncertain significance (4). Last evaluated 2025-03-18.

Conditions:
Familial hemophagocytic lymphohistiocytosis 2 (FHL2). Also called: PRF1-Related Familial Hemophagocytic Lymphohistiocytosis (PRF1-fHLH). Identifiers: Orphanet 540, MedGen C1863727, MONDO:0011337, OMIM 603553.
Inborn genetic diseases. Identifiers: MedGen C0950123, MeSH D030342.

Allele frequency attached by ClinVar (database versions not stated): ExAC 0.00002; gnomAD exomes 0.00002 and 0.00007; gnomAD 0.00003 and 0.00007; TOPMed 0.00007.
gnomAD v4.1: 108 of 1,614,086 alleles (0.0067%); highest among the groups gnomAD compares: Non-Finnish European, 0.0083%; no homozygotes.

Submissions (4):

Dasa
Classification: Uncertain significance. Last evaluated: 2025-03-18. Review status: criteria provided, single submitter. Criteria: DASA Assertion Criteria. Collection method: clinical testing. Allele origin: germline.
Comment: NM_001083116.3(PRF1):c.557C>T (p.Thr186Ile) is a missense variant that results in the substitution of threonine with isoleucine. This variant is rare in population databases. Computational prediction algorithms are consistent with a benign effect. The currently available literature and clinical evidence are not sufficient to establish a definitive association between this variant and the reported condition. Therefore, this variant is classified as a variant of uncertain significance.

Ambry Genetics
Classification: Uncertain significance for Inborn genetic diseases. Last evaluated: 2024-11-07. Review status: criteria provided, single submitter. Criteria: Ambry Variant Classification Scheme 2023. Collection method: clinical testing. Allele origin: germline.

Blueprint Genetics
Classification: Uncertain significance. Last evaluated: 2024-09-23. Review status: criteria provided, single submitter. Criteria: ACMG Guidelines, 2015. Collection method: clinical testing. Allele origin: germline.

Labcorp Genetics (formerly Invitae), Labcorp
Classification: Uncertain significance for Familial hemophagocytic lymphohistiocytosis 2. Last evaluated: 2022-07-09. Review status: criteria provided, single submitter. Criteria: Invitae Variant Classification Sherloc (09022015). Collection method: clinical testing. Allele origin: germline.
Comment: This sequence change replaces threonine, which is neutral and polar, with isoleucine, which is neutral and non-polar, at codon 186 of the PRF1 protein (p.Thr186Ile). This variant is present in population databases (rs751796432, gnomAD 0.006%). This variant has not been reported in the literature in individuals affected with PRF1-related conditions. ClinVar contains an entry for this variant (Variation ID: 665877). Algorithms developed to predict the effect of missense changes on protein structure and function (SIFT, PolyPhen-2, Align-GVGD) all suggest that this variant is likely to be tolerated. In summary, the available evidence is currently insufficient to determine the role of this variant in disease. Therefore, it has been classified as a Variant of Uncertain Significance.